The following is an entry in ClinVar:

ClinVar aggregate classification (germline): Likely benign. Review status: criteria provided, multiple submitters, no conflicts (2 of 4 stars). 2 submissions from 2 submitters: Likely benign (2). Last evaluated 2021-12-27.

Conditions:
Landau-Kleffner syndrome (FESD). Also called: EPILEPSY, FOCAL, WITH SPEECH DISORDER AND WITH OR WITHOUT MENTAL RETARDATION; APHASIA, ACQUIRED, WITH EPILEPSY. Identifiers: Orphanet 1945, Orphanet 725, Orphanet 98818, MedGen C0282512, MONDO:0009509, OMIM 245570.

Allele frequency attached by ClinVar (database versions not stated): TOPMed below 0.00001; ExAC 0.00002; gnomAD exomes 0.00001 and below 0.00001.
gnomAD v4.1: 2 of 1,614,216 alleles (0.00012%); highest among the groups gnomAD compares: Admixed American, 0.0033%; no homozygotes.

Submissions (2):

Labcorp Genetics (formerly Invitae), Labcorp
Classification: Likely benign for Landau-Kleffner syndrome. Last evaluated: 2021-12-27. Review status: criteria provided, single submitter. Criteria: Invitae Variant Classification Sherloc (09022015). Collection method: clinical testing. Allele origin: germline.

GeneDx
Classification: Likely benign. Last evaluated: 2017-01-15. Review status: criteria provided, single submitter. Criteria: GeneDx Variant Classification (06012015). Collection method: clinical testing. Allele origin: germline. Affected: yes.
Comment: This variant is considered likely benign or benign based on one or more of the following criteria: it is a conservative change, it occurs at a poorly conserved position in the protein, it is predicted to be benign by multiple in silico algorithms, and/or has population frequency not consistent with disease.

NM_001134407.3(GRIN2A):c.2505C>T (p.Phe835=)

Gene: GRIN2A (glutamate ionotropic receptor NMDA type subunit 2A; minus strand). Cytogenetic location: 16p13.2.
Variant type: single nucleotide variant.
Coding change: c.2505C>T on transcript NM_001134407.3 (MANE Select); coding-DNA position 2505, C replaced by T.
Protein change: p.Phe835=; no amino-acid change (phenylalanine 835 retained).
Molecular consequence: synonymous variant.
Genome position (GRCh38, 1-based): chr16:9,768,941, G>A on the plus strand (C>T on the coding strand, the complement: GRIN2A is on the minus strand). VCF-style: chr16-9768941-G-A. GRCh37 (hg19) VCF-style: chr16-9862798-G-A.
Other names: c.2505C>T, p.Phe835= (NM_000833.5, NM_001134408.2).
Identifiers: ClinVar variation 392854 (VCV000392854.9), dbSNP rs771342023, ClinGen allele CA7896499.